The following is an entry in ClinVar:

NM_182961.4(SYNE1):c.22561C>A (p.Leu7521Ile)

Gene: SYNE1 (spectrin repeat containing nuclear envelope protein 1; minus strand). Cytogenetic location: 6q25.2.
Variant type: single nucleotide variant.
Coding change: c.22561C>A on transcript NM_182961.4 (MANE Select); coding-DNA position 22561, C replaced by A.
Protein change: p.Leu7521Ile; replaces leucine 7521 with isoleucine.
Molecular consequence: missense variant.
Genome position (GRCh38, 1-based): chr6:152,211,522, G>T on the plus strand (C>A on the coding strand, the complement: SYNE1 is on the minus strand). VCF-style: chr6-152211522-G-T. GRCh37 (hg19) VCF-style: chr6-152532657-G-T.
Other names: c.22348C>A, p.Leu7450Ile (NM_033071.5); short protein forms L7450I, L7521I.
Identifiers: ClinVar variation 2419855 (VCV002419855.6), dbSNP rs2551395013, ClinGen allele CA366098133.

ClinVar aggregate classification (germline): Uncertain significance (1 of 4 stars; one submission).

Conditions:
Autosomal recessive ataxia, Beauce type. Also called: Spinocerebellar ataxia, autosomal recessive 8; ATAXIA, RECESSIVE, OF BEAUCE; SYNE1-Related Autosomal Recessive Cerebellar Ataxia; SYNE1 Deficiency. Identifiers: Orphanet 88644, MedGen C1853116, MONDO:0012549, OMIM 610743.
Emery-Dreifuss muscular dystrophy 4, autosomal dominant (EDMD4). Also called: EMERY-DREIFUSS MUSCULAR DYSTROPHY 4 WITH VARIABLE FEATURES. Identifiers: Orphanet 261, MedGen C2751807, MONDO:0013071, OMIM 612998.

gnomAD v4.1: 1 of 1,613,774 alleles (0.000062%); highest among the groups gnomAD compares: Non-Finnish European, 0.000085%; no homozygotes.

Submission:

Labcorp Genetics (formerly Invitae), Labcorp
Classification: Uncertain significance for Emery-Dreifuss muscular dystrophy 4, autosomal dominant; Autosomal recessive ataxia, Beauce type. Last evaluated: 2022-02-28. Review status: criteria provided, single submitter. Criteria: Invitae Variant Classification Sherloc (09022015). Collection method: clinical testing. Allele origin: germline.
Comment: In summary, the available evidence is currently insufficient to determine the role of this variant in disease. Therefore, it has been classified as a Variant of Uncertain Significance. Algorithms developed to predict the effect of missense changes on protein structure and function are either unavailable or do not agree on the potential impact of this missense change (SIFT: "Deleterious"; PolyPhen-2: "Possibly Damaging"; Align-GVGD: "Class C0"). This variant has not been reported in the literature in individuals affected with SYNE1-related conditions. This variant is not present in population databases (gnomAD no frequency). This sequence change replaces leucine, which is neutral and non-polar, with isoleucine, which is neutral and non-polar, at codon 7450 of the SYNE1 protein (p.Leu7450Ile).